The following is an entry in ClinVar:

ClinVar aggregate classification (germline): Uncertain significance. Review status: criteria provided, multiple submitters, no conflicts (2 of 4 stars). 3 submissions from 3 submitters: Uncertain significance (3). Last evaluated 2024-06-12.

Submissions (3):

Blueprint Genetics
Classification: Uncertain significance. Last evaluated: 2024-06-12. Review status: criteria provided, single submitter. Criteria: ACMG Guidelines, 2015. Collection method: clinical testing. Allele origin: germline.

Labcorp Genetics (formerly Invitae), Labcorp
Classification: Uncertain significance. Last evaluated: 2022-05-11. Review status: criteria provided, single submitter. Criteria: Invitae Variant Classification Sherloc (09022015). Collection method: clinical testing. Allele origin: germline.
Comment: This variant, c.789_791dup, results in the insertion of 1 amino acid(s) of the ERCC3 protein (p.Glu264dup), but otherwise preserves the integrity of the reading frame. This variant is present in population databases (rs776409036, gnomAD 0.03%). This variant has not been reported in the literature in individuals affected with ERCC3-related conditions. Experimental studies and prediction algorithms are not available or were not evaluated, and the functional significance of this variant is currently unknown. In summary, the available evidence is currently insufficient to determine the role of this variant in disease. Therefore, it has been classified as a Variant of Uncertain Significance.

Revvity Omics, Revvity
Classification: Uncertain significance. Last evaluated: 2021-07-23. Review status: criteria provided, single submitter. Criteria: ACMG Guidelines, 2015. Collection method: clinical testing. Allele origin: germline.

NM_000122.2(ERCC3):c.777AGA[6] (p.Glu264_Thr265insGlu)

Gene: ERCC3 (ERCC excision repair 3, TFIIH core complex helicase subunit; minus strand). Cytogenetic location: 2q14.3.
Variant type: Microsatellite.
Coding change: c.777AGA[6] on transcript NM_000122.2 (MANE Select); six copies in a row of the 3-base unit AGA starting at c.777; the reference has five copies in a row; one copy, 3 bases duplicated; also written c.789_791dup.
Protein change: p.Glu264_Thr265insGlu.
Molecular consequence: inframe insertion.
Genome position (GRCh38, 1-based): chr2:127,289,368-127,289,370, TCT duplicated on the plus strand (AGA on the coding strand, the reverse complement: ERCC3 is on the minus strand); duplicating any 3 consecutive bases within chr2:127,289,368-127,289,384 gives the same sequence; the position shown is the placement nearest the transcript's 3' end. VCF-style (leftmost placement, unchanged base first): chr2-127289367-C-CTCT. GRCh37 (hg19) VCF-style: chr2-128046943-C-CTCT.
Other names: c.789_791dup (NM_000122.2); c.585AGA[6], p.Glu200_Thr201insGlu (NM_001303416.2, NM_001303418.2).
Identifiers: ClinVar variation 2180234 (VCV002180234.5), dbSNP rs761456808, ClinGen allele CA1858445.